The following is an entry in ClinVar:

NM_025219.3(DNAJC5):c.507G>A (p.Thr169=)

Gene: DNAJC5 (DnaJ heat shock protein family (Hsp40) member C5; plus strand). Cytogenetic location: 20q13.33.
Variant type: single nucleotide variant.
Coding change: c.507G>A on transcript NM_025219.3 (MANE Select); coding-DNA position 507, G replaced by A.
Protein change: p.Thr169=; no amino-acid change (threonine 169 retained).
Molecular consequence: synonymous variant.
Genome position (GRCh38, 1-based): chr20:63,931,478, G>A. VCF-style: chr20-63931478-G-A. GRCh37 (hg19) VCF-style: chr20-62562831-G-A.
Identifiers: ClinVar variation 1132085 (VCV001132085.17), dbSNP rs748875387, ClinGen allele CA9969796.

ClinVar aggregate classification (germline): Likely benign. Review status: criteria provided, multiple submitters, no conflicts (2 of 4 stars). 3 submissions from 3 submitters: Likely benign (3). Last evaluated 2025-12-16.

Conditions:
Neuronal ceroid lipofuscinosis. Also called: Neuronal Ceroid Lipofuscinoses. Identifiers: Orphanet 216, Orphanet 79263, MedGen C0027877, MONDO:0016295. Disease mechanism: loss of function.

Allele frequency attached by ClinVar (database versions not stated): gnomAD 0.00001; gnomAD exomes 0.00001; TOPMed 0.00002; ExAC 0.00008.
gnomAD v4.1: 14 of 1,565,232 alleles (0.00089%); highest among the groups gnomAD compares: African/African-American, 0.0027%; no homozygotes.

Submissions (3):

Labcorp Genetics (formerly Invitae), Labcorp
Classification: Likely benign for Neuronal ceroid lipofuscinosis. Last evaluated: 2025-12-16. Review status: criteria provided, single submitter. Criteria: Invitae Variant Classification Sherloc (09022015). Collection method: clinical testing. Allele origin: germline.

CeGaT Center for Human Genetics Tuebingen
Classification: Likely benign. Last evaluated: 2025-03-01. Review status: criteria provided, single submitter. Criteria: CeGaT Center For Human Genetics Tuebingen Variant Classification Criteria Version 2. Collection method: clinical testing. Allele origin: germline. Affected: yes. Observed: 1 variant allele.
Comment: DNAJC5: BP4, BP7

Blueprint Genetics
Classification: Likely benign. Last evaluated: 2024-09-03. Review status: criteria provided, single submitter. Criteria: ACMG Guidelines, 2015. Collection method: clinical testing. Allele origin: germline.